The following is an entry in ClinVar:

NM_018834.6(MATR3):c.1927C>A (p.Gln643Lys)

Genes: MATR3 (matrin 3; plus strand), LOC126807526 (CDK7 strongly-dependent group 2 enhancer GRCh37_chr5:138657767-138658966; plus strand). Cytogenetic location: 5q31.2.
Variant type: single nucleotide variant.
Coding change: c.1927C>A on transcript NM_018834.6 (MANE Select); coding-DNA position 1927, C replaced by A.
Protein change: p.Gln643Lys; replaces glutamine 643 with lysine.
Molecular consequence: missense variant.
Genome position (GRCh38, 1-based): chr5:139,322,746, C>A. VCF-style: chr5-139322746-C-A. GRCh37 (hg19) VCF-style: chr5-138658435-C-A.
Other names: c.1927C>A, p.Gln643Lys (NM_001194954.2, NM_001194955.2, NM_001400441.1 and 16 more transcripts); c.1063C>A, p.Gln355Lys (NM_001194956.2); c.913C>A, p.Gln305Lys (NM_001282278.2, NM_001400460.1, NM_001400462.1 and 5 more transcripts); c.1066C>A, p.Gln356Lys (NM_001400459.1); c.1027C>A, p.Gln343Lys (NM_001400461.1); short protein forms Q356K, Q643K, Q355K, Q343K, Q305K.
Identifiers: ClinVar variation 1934947 (VCV001934947.5), dbSNP rs2546863498, ClinGen allele CA361143890.
Genomic context (GRCh38, chr5:139,322,746, plus strand): 5'-GAAGGTAAAGAACAAGAAGAGAAGTCCGGTGAAGATGGTGAGAAAGACACAAAGGATGAC[C>A]AGACAGAGCAGGAACCTAATATGCTTCTTGAATCTGAAGATGAGCTACTTGTAGATGAAG-3'
Protein context (NP_061322.2, residues 633-653): EDGEKDTKDD[Gln643Lys]TEQEPNMLLE

ClinVar aggregate classification (germline): Uncertain significance (1 of 4 stars; one submission).

Conditions:
Amyotrophic lateral sclerosis type 21. Also called: MYOPATHY, DISTAL, 2; VOCAL CORD AND PHARYNGEAL DYSFUNCTION WITH DISTAL MYOPATHY. Identifiers: Orphanet 600, Orphanet 803, MedGen C3807521, MONDO:0011632, OMIM 606070.

Submission:

Labcorp Genetics (formerly Invitae), Labcorp
Classification: Uncertain significance for Amyotrophic lateral sclerosis type 21. Last evaluated: 2022-09-09. Review status: criteria provided, single submitter. Criteria: Invitae Variant Classification Sherloc (09022015). Collection method: clinical testing. Allele origin: germline.
Comment: Advanced modeling of protein sequence and biophysical properties (such as structural, functional, and spatial information, amino acid conservation, physicochemical variation, residue mobility, and thermodynamic stability) performed at Invitae indicates that this missense variant is not expected to disrupt MATR3 protein function. This variant has not been reported in the literature in individuals affected with MATR3-related conditions. This variant is not present in population databases (gnomAD no frequency). This sequence change replaces glutamine, which is neutral and polar, with lysine, which is basic and polar, at codon 643 of the MATR3 protein (p.Gln643Lys). In summary, the available evidence is currently insufficient to determine the role of this variant in disease. Therefore, it has been classified as a Variant of Uncertain Significance.